The following is an entry in ClinVar:

NM_198947.4(FAM111B):c.2192C>T (p.Pro731Leu)

Gene: FAM111B (FAM111 trypsin like peptidase B; plus strand). Cytogenetic location: 11q12.1.
Variant type: single nucleotide variant.
Coding change: c.2192C>T on transcript NM_198947.4 (MANE Select); coding-DNA position 2192, C replaced by T.
Protein change: p.Pro731Leu; replaces proline 731 with leucine.
Molecular consequence: missense variant.
Genome position (GRCh38, 1-based): chr11:59,126,289, C>T. VCF-style: chr11-59126289-C-T. GRCh37 (hg19) VCF-style: chr11-58893762-C-T.
Other names: c.2192C>T (NM_198947.3); c.2102C>T, p.Pro701Leu (NM_001142703.2, NM_001142704.2); short protein forms P701L, P731L.
Identifiers: ClinVar variation 3771542 (VCV003771542.13).

ClinVar aggregate classification (germline): Conflicting classifications of pathogenicity. Review status: criteria provided, conflicting classifications (1 of 4 stars). 2 submissions from 2 submitters: Uncertain significance (1); Likely benign (1). Last evaluated 2025-11-06.

Conditions:
Inborn genetic diseases. Identifiers: MedGen C0950123, MeSH D030342.

gnomAD v4.1: 27 of 1,526,860 alleles (0.0018%); highest among the groups gnomAD compares: Admixed American, 0.0023%; no homozygotes.

Submissions (2):

Ambry Genetics
Classification: Uncertain significance for Inborn genetic diseases. Last evaluated: 2025-11-06. Review status: criteria provided, single submitter. Criteria: Ambry Variant Classification Scheme 2023. Collection method: clinical testing. Allele origin: germline.

CeGaT Center for Human Genetics Tuebingen
Classification: Likely benign. Last evaluated: 2024-12-01. Review status: criteria provided, single submitter. Criteria: CeGaT Center For Human Genetics Tuebingen Variant Classification Criteria Version 2. Collection method: clinical testing. Allele origin: germline. Affected: yes. Observed: 1 variant allele.
Comment: FAM111B: BP4